The following is an entry in ClinVar:

ClinVar aggregate classification (germline): Uncertain significance. Review status: criteria provided, multiple submitters, no conflicts (2 of 4 stars). 6 submissions from 6 submitters: Uncertain significance (5). 1 of the submissions does not count toward it. Last evaluated 2026-03-26.

Conditions:
Long chain 3-hydroxyacyl-CoA dehydrogenase deficiency. Also called: Deficiency of long-chain 3-hydroxyacyl-coenzyme A dehydrogenase; LCHAD Deficiency. Identifiers: Orphanet 5, MedGen C3711645, MONDO:0012173, OMIM 609016.
Mitochondrial trifunctional protein deficiency. Identifiers: Orphanet 746, MedGen C1969443, MONDO:0012172.
HADHA-related disorder. Also called: HADHA-related condition; HADHA-related disorders.

Allele frequency attached by ClinVar (database versions not stated): gnomAD exomes 0.00001 and 0.00003; ExAC 0.00002; gnomAD 0.00004 and 0.00006; TOPMed 0.00008; 1000 Genomes Project 30x 0.00062; 1000 Genomes Project 0.00080.

Submissions (6):

PreventionGenetics, part of Exact Sciences
Classification: Uncertain significance for HADHA-related condition. Last evaluated: 2026-03-26. Review status: criteria provided, single submitter. Criteria: ACMG Guidelines, 2015. Collection method: clinical testing. Allele origin: germline.
Comment: The HADHA c.316A>G variant is predicted to result in the amino acid substitution p.Met106Val. To our knowledge, this variant has not been reported in the literature. This variant is reported in 0.0080% of alleles in individuals of African descent in gnomAD. At this time, the clinical significance of this variant is uncertain due to the absence of conclusive functional and genetic evidence.

Labcorp Genetics (formerly Invitae), Labcorp
Classification: Uncertain significance for Mitochondrial trifunctional protein deficiency; Long chain 3-hydroxyacyl-CoA dehydrogenase deficiency. Last evaluated: 2025-10-01. Review status: criteria provided, single submitter. Criteria: Invitae Variant Classification Sherloc (09022015). Collection method: clinical testing. Allele origin: germline.
Comment: This sequence change replaces methionine, which is neutral and non-polar, with valine, which is neutral and non-polar, at codon 106 of the HADHA protein (p.Met106Val). This variant is present in population databases (rs143122454, gnomAD 0.01%). This variant has not been reported in the literature in individuals affected with HADHA-related conditions. ClinVar contains an entry for this variant (Variation ID: 1206920). An algorithm developed to predict the effect of missense changes on protein structure and function (PolyPhen-2) suggests that this variant is likely to be disruptive. In summary, the available evidence is currently insufficient to determine the role of this variant in disease. Therefore, it has been classified as a Variant of Uncertain Significance.

GeneDx
Classification: Uncertain significance. Last evaluated: 2025-08-12. Review status: criteria provided, single submitter. Criteria: GeneDx Variant Classification Process June 2021. Collection method: clinical testing. Allele origin: germline. Affected: yes.
Comment: Not observed at significant frequency in large population cohorts (gnomAD); In silico analysis supports that this missense variant has a deleterious effect on protein structure/function; Has not been previously published as pathogenic or benign to our knowledge; In silico analysis is inconclusive as to whether the variant alters gene splicing. In the absence of RNA/functional studies, the actual effect of this sequence change is unknown.

Mayo Clinic Laboratories, Mayo Clinic
Classification: Uncertain significance. Last evaluated: 2025-07-15. Review status: criteria provided, single submitter. Criteria: ACMG Guidelines, 2015. Collection method: clinical testing. Allele origin: germline. Observed: 2 variant alleles.
Comment: PM2_supporting

Department of Pathology and Laboratory Medicine, Sinai Health System
Classification: Uncertain significance for Long chain 3-hydroxyacyl-CoA dehydrogenase deficiency. Last evaluated: 2023-04-18. Review status: criteria provided, single submitter. Criteria: ACMG Guidelines, 2015. Collection method: research. Allele origin: germline.

Natera, Inc.
Classification: Uncertain significance for Deficiency of long-chain 3-hydroxyacyl-coenzyme A dehydrogenase. Last evaluated: 2020-03-30. Review status: no assertion criteria provided. Collection method: clinical testing. Allele origin: germline. Not counted in ClinVar's aggregate classification.

NM_000182.5(HADHA):c.316A>G (p.Met106Val)

Gene: HADHA (hydroxyacyl-CoA dehydrogenase trifunctional multienzyme complex subunit alpha; minus strand). Cytogenetic location: 2p23.3.
Variant type: single nucleotide variant.
Coding change: c.316A>G on transcript NM_000182.5 (MANE Select); coding-DNA position 316, A replaced by G.
Protein change: p.Met106Val; replaces methionine 106 with valine.
Molecular consequence: missense variant.
Genome position (GRCh38, 1-based): chr2:26,234,354, T>C on the plus strand (A>G on the coding strand, the complement: HADHA is on the minus strand). VCF-style: chr2-26234354-T-C. GRCh37 (hg19) VCF-style: chr2-26457222-T-C.
Other names: p.Met106Val; short protein forms M106V.
Identifiers: ClinVar variation 1206920 (VCV001206920.16), dbSNP rs143122454, ClinGen allele CA1559903.